The following is an entry in ClinVar:

ClinVar aggregate classification (germline): Uncertain significance (1 of 4 stars; one submission).

gnomAD v4.1: 1 of 1,612,208 alleles (0.000062%); highest among the groups gnomAD compares: Non-Finnish European, 0.000085%; no homozygotes.

Submission:

Labcorp Genetics (formerly Invitae), Labcorp
Classification: Uncertain significance. Last evaluated: 2024-11-18. Review status: criteria provided, single submitter. Criteria: Invitae Variant Classification Sherloc (09022015). Collection method: clinical testing. Allele origin: germline.
Comment: This sequence change replaces histidine, which is basic and polar, with aspartic acid, which is acidic and polar, at codon 3039 of the ASPM protein (p.His3039Asp). This variant is not present in population databases (gnomAD no frequency). This variant has not been reported in the literature in individuals affected with ASPM-related conditions. ClinVar contains an entry for this variant (Variation ID: 1717692). An algorithm developed to predict the effect of missense changes on protein structure and function (PolyPhen-2) suggests that this variant is likely to be tolerated. In summary, the available evidence is currently insufficient to determine the role of this variant in disease. Therefore, it has been classified as a Variant of Uncertain Significance.

NM_018136.5(ASPM):c.9115C>G (p.His3039Asp)

Gene: ASPM (assembly factor for spindle microtubules; minus strand). Cytogenetic location: 1q31.3.
Variant type: single nucleotide variant.
Coding change: c.9115C>G on transcript NM_018136.5 (MANE Select); coding-DNA position 9115, C replaced by G.
Protein change: p.His3039Asp; replaces histidine 3039 with aspartic acid.
Molecular consequence: missense variant.
Genome position (GRCh38, 1-based): chr1:197,093,231, G>C on the plus strand (C>G on the coding strand, the complement: ASPM is on the minus strand). VCF-style: chr1-197093231-G-C. GRCh37 (hg19) VCF-style: chr1-197062361-G-C.
Other names: c.4360C>G, p.His1454Asp (NM_001206846.2); short protein forms H1454D, H3039D.
Identifiers: ClinVar variation 1717692 (VCV001717692.5), dbSNP rs2527270345, ClinGen allele CA344007698.
Genomic context (GRCh38, chr1:197,093,231, plus strand): 5'-TGATCAAAGCAGCAGATTTCTGCCGAAGAAAGACCTGCCTTCCTTTATATCCTCTATAAT[G>C]TGCTTGGATCAAACAAGCAGCTCGATGTCTCTATAAGGAAAAATTTACAAGTAACATTAA-3'
Protein context (NP_060606.3, residues 3029-3049): RHRAACLIQA[His3039Asp]YRGYKGRQVF